The following is an entry in ClinVar:

NM_001369.3(DNAH5):c.5658C>T (p.Tyr1886=)

Gene: DNAH5 (dynein axonemal heavy chain 5; minus strand). Cytogenetic location: 5p15.2.
Variant type: single nucleotide variant.
Coding change: c.5658C>T on transcript NM_001369.3 (MANE Select); coding-DNA position 5658, C replaced by T.
Protein change: p.Tyr1886=; no amino-acid change (tyrosine 1886 retained).
Molecular consequence: synonymous variant.
Genome position (GRCh38, 1-based): chr5:13,840,957, G>A on the plus strand (C>T on the coding strand, the complement: DNAH5 is on the minus strand). VCF-style: chr5-13840957-G-A. GRCh37 (hg19) VCF-style: chr5-13841066-G-A.
Other names: p.Tyr1886=.
Identifiers: ClinVar variation 226601 (VCV000226601.30), dbSNP rs6880264, ClinGen allele CA3203616.
Genomic context (GRCh38, chr5:13,840,957, plus strand): 5'-AGAATTTACCAGGTCATCAAAGATATCCCTTTGGTGCACATGAATAGTAATCAGAGTCTC[G>A]TATTTCACTCGTTCCGTGGAACTCAGATCCCTCGTGGTGACGTCTATCAATGTATTGAGT-3'
Protein context (NP_001360.1, residues 1876-1896): RDLSSTERVK[Tyr1886=]ETLITIHVHQ

ClinVar aggregate classification (germline): Benign/Likely benign. Review status: criteria provided, multiple submitters, no conflicts (2 of 4 stars). 12 submissions from 12 submitters: Benign (7); Likely benign (3). 2 of the submissions do not count toward it. Last evaluated 2026-02-04.

Conditions:
Primary ciliary dyskinesia. Also called: Ciliary dyskinesia. Identifiers: Orphanet 244, MedGen C0008780, MONDO:0016575, HP:0012265.
Primary ciliary dyskinesia 3. Identifiers: Orphanet 244, MedGen C1837618, MONDO:0012085, OMIM 608644.

Allele frequency attached by ClinVar (database versions not stated): ExAC 0.00420; gnomAD 0.01240 and 0.01314; TOPMed 0.01394; 1000 Genomes Project 0.01478; 1000 Genomes Project 30x 0.01499; ESP Exome Variant Server 0.01499.
gnomAD v4.1: 3,853 of 1,614,038 alleles (0.24%); highest among the groups gnomAD compares: African/African-American, 4.2%; 72 homozygotes.

Submissions (12):

Labcorp Genetics (formerly Invitae), Labcorp
Classification: Benign for Primary ciliary dyskinesia. Last evaluated: 2026-02-04. Review status: criteria provided, single submitter. Criteria: Invitae Variant Classification Sherloc (09022015). Collection method: clinical testing. Allele origin: germline.

ARUP Laboratories, Molecular Genetics and Genomics, ARUP Laboratories
Classification: Benign for Primary ciliary dyskinesia 3. Last evaluated: 2023-11-28. Review status: criteria provided, single submitter. Criteria: ARUP Molecular Germline Variant Investigation Process 2024. Collection method: clinical testing. Allele origin: germline.

Mayo Clinic Laboratories, Mayo Clinic
Classification: Benign. Last evaluated: 2023-11-09. Review status: criteria provided, single submitter. Criteria: ACMG Guidelines, 2015. Collection method: clinical testing. Allele origin: germline. Observed: 4 variant alleles.
Comment: BS1, BS2, BP4, BP7

Fulgent Genetics
Classification: Likely benign for Primary ciliary dyskinesia 3. Last evaluated: 2022-01-06. Review status: criteria provided, single submitter. Criteria: ACMG Guidelines, 2015. Collection method: clinical testing. Allele origin: unknown.

GeneDx
Classification: Likely benign. Last evaluated: 2021-05-06. Review status: criteria provided, single submitter. Criteria: GeneDx Variant Classification Process June 2021. Collection method: clinical testing. Allele origin: germline. Affected: yes.

Illumina Laboratory Services, Illumina
Classification: Benign for Primary ciliary dyskinesia 3. Last evaluated: 2018-01-12. Review status: criteria provided, single submitter. Criteria: ICSL Variant Classification Criteria 13 December 2019. Collection method: clinical testing. Allele origin: germline.
Comment: This variant was observed in the ICSL laboratory as part of a predisposition screen in an ostensibly healthy population. It had not been previously curated by ICSL or reported in the Human Gene Mutation Database (HGMD: prior to June 1st, 2018), and was therefore a candidate for classification through an automated scoring system. Utilizing variant allele frequency, disease prevalence and penetrance estimates, and inheritance mode, an automated score was calculated to assess if this variant is too frequent to cause the disease. Based on the score and internal cut-off values, a variant classified as benign is not then subjected to further curation. The score for this variant resulted in a classification of benign for this disease.

Ambry Genetics
Classification: Benign for Primary ciliary dyskinesia. Last evaluated: 2015-08-10. Review status: criteria provided, single submitter. Criteria: Ambry Variant Classification Scheme 2023. Collection method: clinical testing. Allele origin: germline.

Laboratory for Molecular Medicine, Mass General Brigham Personalized Medicine
Classification: Benign. Last evaluated: 2013-02-21. Review status: criteria provided, single submitter. Criteria: LMM Criteria. Collection method: clinical testing. Allele origin: germline. Observed: 1 variant allele.
Comment: Tyr1886Tyr in exon 34 of DNAH5: This variant is not expected to have clinical si gnificance because it does not alter an amino acid residue and is not located wi thin the splice consensus sequence. It has been identified in 4.4% (192/4406) of African American chromosomes from a broad population by the NHLBI Exome Sequenc ing Project (dbSNP rs6880264).

Breakthrough Genomics
Classification: Likely benign. Review status: criteria provided, single submitter. Criteria: ACMG Guidelines, 2015. Collection method: not provided. Allele origin: germline. Inheritance: Autosomal recessive inheritance. Affected: yes.

PreventionGenetics, part of Exact Sciences
Classification: Benign. Review status: criteria provided, single submitter. Criteria: ACMG Guidelines, 2015. Collection method: clinical testing. Allele origin: germline.

Natera, Inc.
Classification: Benign for Primary ciliary dyskinesia. Last evaluated: 2020-09-16. Review status: no assertion criteria provided. Collection method: clinical testing. Allele origin: germline. Not counted in ClinVar's aggregate classification.

Counsyl
Classification: Likely benign for Primary ciliary dyskinesia 3. Last evaluated: 2017-03-06. Review status: no assertion criteria provided. Collection method: clinical testing. Allele origin: unknown. Not counted in ClinVar's aggregate classification.